The following is an entry in ClinVar:

NM_001621.5(AHR):c.1967C>G (p.Ser656Cys)

Gene: AHR (aryl hydrocarbon receptor; plus strand). Cytogenetic location: 7p21.1.
Variant type: single nucleotide variant.
Coding change: c.1967C>G on transcript NM_001621.5 (MANE Select); coding-DNA position 1967, C replaced by G.
Protein change: p.Ser656Cys; replaces serine 656 with cysteine.
Molecular consequence: missense variant.
Genome position (GRCh38, 1-based): chr7:17,339,792, C>G. VCF-style: chr7-17339792-C-G. GRCh37 (hg19) VCF-style: chr7-17379416-C-G.
Other names: short protein forms S656C.
Identifiers: ClinVar variation 1522776 (VCV001522776.6), dbSNP rs1199321600, ClinGen allele CA366895614.

ClinVar aggregate classification (germline): Uncertain significance (1 of 4 stars; one submission).

Allele frequency attached by ClinVar (database versions not stated): TOPMed below 0.00001; gnomAD exomes 0.00002 and 0.00003.
gnomAD v4.1: 10 of 1,614,188 alleles (0.00062%); highest among the groups gnomAD compares: Admixed American, 0.017%; no homozygotes.

Submission:

Labcorp Genetics (formerly Invitae), Labcorp
Classification: Uncertain significance. Last evaluated: 2022-07-19. Review status: criteria provided, single submitter. Criteria: Invitae Variant Classification Sherloc (09022015). Collection method: clinical testing. Allele origin: germline.
Comment: This sequence change replaces serine, which is neutral and polar, with cysteine, which is neutral and slightly polar, at codon 656 of the AHR protein (p.Ser656Cys). This variant is present in population databases (no rsID available, gnomAD 0.03%). In summary, the available evidence is currently insufficient to determine the role of this variant in disease. Therefore, it has been classified as a Variant of Uncertain Significance. Algorithms developed to predict the effect of sequence changes on RNA splicing suggest that this variant may create or strengthen a splice site. Algorithms developed to predict the effect of missense changes on protein structure and function are either unavailable or do not agree on the potential impact of this missense change (SIFT: "Tolerated"; PolyPhen-2: "Possibly Damaging"; Align-GVGD: "Class C0"). ClinVar contains an entry for this variant (Variation ID: 1522776). This variant has not been reported in the literature in individuals affected with AHR-related conditions.